The following is an entry in ClinVar:

ClinVar aggregate classification (germline): Uncertain significance. Review status: criteria provided, multiple submitters, no conflicts (2 of 4 stars). 2 submissions from 2 submitters: Uncertain significance (2). Last evaluated 2023-12-06.

Conditions:
Mosaic variegated aneuploidy syndrome 1 (MVA1). Also called: Warburton-Anyane-Yeboa syndrome. Identifiers: Orphanet 1052, MedGen C1850343, MONDO:0009759, OMIM 257300.
Inborn genetic diseases. Identifiers: MedGen C0950123, MeSH D030342.

Submissions (2):

Labcorp Genetics (formerly Invitae), Labcorp
Classification: Uncertain significance for Mosaic variegated aneuploidy syndrome 1. Last evaluated: 2023-12-06. Review status: criteria provided, single submitter. Criteria: Invitae Variant Classification Sherloc (09022015). Collection method: clinical testing. Allele origin: germline.
Comment: This sequence change replaces methionine, which is neutral and non-polar, with leucine, which is neutral and non-polar, at codon 397 of the BUB1B protein (p.Met397Leu). This variant is not present in population databases (gnomAD no frequency). This variant has not been reported in the literature in individuals affected with BUB1B-related conditions. ClinVar contains an entry for this variant (Variation ID: 1744248). An algorithm developed to predict the effect of missense changes on protein structure and function (PolyPhen-2) suggests that this variant is likely to be disruptive. In summary, the available evidence is currently insufficient to determine the role of this variant in disease. Therefore, it has been classified as a Variant of Uncertain Significance.

Ambry Genetics
Classification: Uncertain significance for Inborn genetic diseases. Last evaluated: 2022-05-28. Review status: criteria provided, single submitter. Criteria: Ambry Variant Classification Scheme 2023. Collection method: clinical testing. Allele origin: germline.
Comment: The p.M397L variant (also known as c.1189A>T), located in coding exon 9 of the BUB1B gene, results from an A to T substitution at nucleotide position 1189. The methionine at codon 397 is replaced by leucine, an amino acid with highly similar properties. This amino acid position is conserved. In addition, the in silico prediction for this alteration is inconclusive. Since supporting evidence is limited at this time, the clinical significance of this alteration remains unclear.

NM_001211.6(BUB1B):c.1189A>T (p.Met397Leu)

Gene: BUB1B (BUB1 mitotic checkpoint serine/threonine kinase B; plus strand). Cytogenetic location: 15q15.1.
Variant type: single nucleotide variant.
Coding change: c.1189A>T on transcript NM_001211.6 (MANE Select); coding-DNA position 1189, A replaced by T.
Protein change: p.Met397Leu; replaces methionine 397 with leucine.
Molecular consequence: missense variant.
Genome position (GRCh38, 1-based): chr15:40,196,675, A>T. VCF-style: chr15-40196675-A-T. GRCh37 (hg19) VCF-style: chr15-40488876-A-T.
Other names: short protein forms M397L.
Identifiers: ClinVar variation 1744248 (VCV001744248.5), dbSNP rs2542550540, ClinGen allele CA391687340.